The following is an entry in ClinVar:

ClinVar aggregate classification (germline): Conflicting classifications of pathogenicity. Review status: criteria provided, conflicting classifications (1 of 4 stars). 3 submissions from 3 submitters: Likely pathogenic (1); Uncertain significance (2). Last evaluated 2020-03-23.

Conditions:
Neuronal ceroid lipofuscinosis 5 (CLN5). Also called: CEROID LIPOFUSCINOSIS, NEURONAL, 5, VARIABLE AGE AT ONSET; CLN5-Related Neuronal Ceroid-Lipofuscinosis; Neuronal ceroid lipofuscinosis Finnish variant; NEURONAL CEROID LIPOFUSCINOSIS, LATE INFANTILE, FINNISH VARIANT. Identifiers: Orphanet 168491, Orphanet 228360, MedGen C1850442, MONDO:0009745, OMIM 256731.
Neuronal ceroid lipofuscinosis. Also called: Neuronal Ceroid Lipofuscinoses. Identifiers: Orphanet 216, Orphanet 79263, MedGen C0027877, MONDO:0016295. Disease mechanism: loss of function.

Submissions (3):

Revvity Omics, Revvity
Classification: Uncertain significance for Neuronal ceroid lipofuscinosis 5. Last evaluated: 2020-03-23. Review status: criteria provided, single submitter. Criteria: ACMG Guidelines, 2015. Collection method: clinical testing. Allele origin: germline.

Labcorp Genetics (formerly Invitae), Labcorp
Classification: Uncertain significance for Neuronal ceroid lipofuscinosis. Last evaluated: 2019-06-05. Review status: criteria provided, single submitter. Criteria: Invitae Variant Classification Sherloc (09022015). Collection method: clinical testing. Allele origin: germline.
Comment: The frequency data for this variant in the population databases is considered unreliable, as metrics indicate insufficient coverage at this position in the ExAC database. This variant has not been reported in the literature in individuals with CLN5-related conditions. Nucleotide substitutions within the consensus splice site are a relatively common cause of aberrant splicing (PMID: 17576681, 9536098). Algorithms developed to predict the effect of sequence changes on RNA splicing suggest that this variant may disrupt the consensus splice site, but this prediction has not been confirmed by published transcriptional studies. In summary, the available evidence is currently insufficient to determine the role of this variant in disease. Therefore, it has been classified as a Variant of Uncertain Significance. This sequence change falls in intron 1 of the CLN5 gene. It does not directly change the encoded amino acid sequence of the CLN5 protein, but it affects a nucleotide within the consensus splice site of the intron.

Kids Neuroscience Centre, Sydney Children's Hospitals Network
Classification: Likely pathogenic for Neuronal ceroid lipofuscinosis 5. Review status: criteria provided, single submitter. Criteria: Bournazos AM et al. (Genet Med 2021). Collection method: clinical testing. Allele origin: inherited, unknown. Inheritance: Autosomal recessive inheritance. Affected: yes and no. Observed: 2 heterozygotes, 1 homozygote.
Comment: mRNA studies confirm the homozygous CLN5 c.320+5G>A variant induces abnormal splicing of CLN5 transcripts. All detected abnormal splicing events are likely to render the encoded CLN5 protein dysfunctional/non-functional. No normal spliced exon 1 – exon 2 – exon 3 products were detected in the proband. Collective data are consistent with likely pathogenicity of the CLN5 c.320+5G>A variant. Homozygous variants in CLN5 are consistent with the phenotype of neuronal ceroid lipofuscinosis.

Literature cited by the submitters: PubMed 17576681 (cited by Labcorp Genetics (formerly Invitae), Labcorp); PubMed 9536098 (cited by Labcorp Genetics (formerly Invitae), Labcorp).

NM_006493.4(CLN5):c.173+5G>A

Genes: CLN5 (CLN5 lysosomal BMP synthase; plus strand), LOC130009913 (ATAC-STARR-seq lymphoblastoid silent region 5414; plus strand). Cytogenetic location: 13q22.3.
Variant type: single nucleotide variant.
Coding change: c.173+5G>A on transcript NM_006493.4 (MANE Select); 5 bases into the intron after coding-DNA position 173, G replaced by A.
Molecular consequence: intron variant.
Genome position (GRCh38, 1-based): chr13:76,992,276, G>A. VCF-style: chr13-76992276-G-A. GRCh37 (hg19) VCF-style: chr13-77566411-G-A.
Other names: c.173+5G>A (NM_001366624.2).
Identifiers: ClinVar variation 952807 (VCV000952807.14), dbSNP rs2034192763, ClinGen allele CA913185959.